The following is an entry in ClinVar:

ClinVar aggregate classification (germline): Uncertain significance (1 of 4 stars; one submission).

Allele frequency attached by ClinVar (database versions not stated): TOPMed below 0.00001; gnomAD 0.00001; gnomAD exomes 0.00001.
gnomAD v4.1: 12 of 1,592,922 alleles (0.00075%); highest among the groups gnomAD compares: Non-Finnish European, 0.001%; no homozygotes.

Submission:

Labcorp Genetics (formerly Invitae), Labcorp
Classification: Uncertain significance. Last evaluated: 2022-02-24. Review status: criteria provided, single submitter. Criteria: Invitae Variant Classification Sherloc (09022015). Collection method: clinical testing. Allele origin: germline.
Comment: This variant has not been reported in the literature in individuals affected with CLUAP1-related conditions. This variant is not present in population databases (gnomAD no frequency). This sequence change falls in intron 1 of the CLUAP1 gene. It does not directly change the encoded amino acid sequence of the CLUAP1 protein. It affects a nucleotide within the consensus splice site. ClinVar contains an entry for this variant (Variation ID: 970128). In summary, the available evidence is currently insufficient to determine the role of this variant in disease. Therefore, it has been classified as a Variant of Uncertain Significance. Variants that disrupt the consensus splice site are a relatively common cause of aberrant splicing (PMID: 17576681, 9536098). Algorithms developed to predict the effect of sequence changes on RNA splicing suggest that this variant may disrupt the consensus splice site.

Literature cited by the submitters: PubMed 17576681; PubMed 9536098.

NM_015041.3(CLUAP1):c.22+5G>A

Genes: CLUAP1 (clusterin associated protein 1; plus strand), LOC130058340 (ATAC-STARR-seq lymphoblastoid active region 10324; plus strand). Cytogenetic location: 16p13.3.
Variant type: single nucleotide variant.
Coding change: c.22+5G>A on transcript NM_015041.3 (MANE Select); 5 bases into the intron after coding-DNA position 22, G replaced by A.
Molecular consequence: intron variant.
Genome position (GRCh38, 1-based): chr16:3,501,094, G>A. VCF-style: chr16-3501094-G-A. GRCh37 (hg19) VCF-style: chr16-3551094-G-A.
Other names: c.22+5G>A (NM_001330454.2).
Identifiers: ClinVar variation 970128 (VCV000970128.8), dbSNP rs2037387629, ClinGen allele CA973895719.